The following is an entry in ClinVar:

ClinVar aggregate classification (germline): Uncertain significance (1 of 4 stars; one submission).

Conditions:
Hereditary diffuse gastric adenocarcinoma (HDGC). Also called: DIFFUSE GASTRIC AND LOBULAR BREAST CANCER SYNDROME. Identifiers: Orphanet 26106, MedGen C1708349, MONDO:0007648, OMIM 137215.

Submission:

Labcorp Genetics (formerly Invitae), Labcorp
Classification: Uncertain significance for Hereditary diffuse gastric adenocarcinoma. Last evaluated: 2025-03-26. Review status: criteria provided, single submitter. Criteria: Invitae Variant Classification Sherloc (09022015). Collection method: clinical testing. Allele origin: germline.
Comment: This sequence change replaces serine, which is neutral and polar, with cysteine, which is neutral and slightly polar, at codon 572 of the CDH1 protein (p.Ser572Cys). This variant is not present in population databases (gnomAD no frequency). This variant has not been reported in the literature in individuals affected with CDH1-related conditions. An algorithm developed to predict the effect of missense changes on protein structure and function (PolyPhen-2) suggests that this variant is likely to be disruptive. In summary, the available evidence is currently insufficient to determine the role of this variant in disease. Therefore, it has been classified as a Variant of Uncertain Significance.

NM_004360.5(CDH1):c.1715C>G (p.Ser572Cys)

Gene: CDH1 (cadherin 1; plus strand). Cytogenetic location: 16q22.1.
Variant type: single nucleotide variant.
Coding change: c.1715C>G on transcript NM_004360.5 (MANE Select); coding-DNA position 1715, C replaced by G.
Protein change: p.Ser572Cys; replaces serine 572 with cysteine.
Molecular consequence: missense variant. On other transcripts: 5 prime UTR variant (1).
Genome position (GRCh38, 1-based): chr16:68,822,004, C>G. VCF-style: chr16-68822004-C-G. GRCh37 (hg19) VCF-style: chr16-68855907-C-G.
Other names: c.1532C>G, p.Ser511Cys (NM_001317184.2); c.167C>G, p.Ser56Cys (NM_001317185.2); c.-251C>G (NM_001317186.2); short protein forms S572C, S56C, S511C.
Identifiers: ClinVar variation 4715972 (VCV004715972.1).